The following is an entry in ClinVar:

NM_001243133.2(NLRP3):c.1627A>G (p.Asn543Asp)

Gene: NLRP3 (NLR family pyrin domain containing 3; plus strand). Cytogenetic location: 1q44.
Variant type: single nucleotide variant.
Coding change: c.1627A>G on transcript NM_001243133.2 (MANE Select); coding-DNA position 1627, A replaced by G.
Protein change: p.Asn543Asp; replaces asparagine 543 with aspartic acid.
Molecular consequence: missense variant.
Genome position (GRCh38, 1-based): chr1:247,425,076, A>G. VCF-style: chr1-247425076-A-G. GRCh37 (hg19) VCF-style: chr1-247588378-A-G.
Other names: c.1627A>G, p.Asn543Asp (NM_001079821.3, NM_001127461.3, NM_001127462.3 and 1 more transcripts); c.1633A>G, p.Asn545Asp (NM_004895.5); short protein forms N543D, N545D.
Identifiers: ClinVar variation 3392696 (VCV003392696.1).

ClinVar aggregate classification (germline): Uncertain significance (1 of 4 stars; one submission).

Submission:

GeneDx
Classification: Uncertain significance. Last evaluated: 2024-06-24. Review status: criteria provided, single submitter. Criteria: GeneDx Variant Classification Process June 2021. Collection method: clinical testing. Allele origin: germline. Affected: yes.
Comment: Not observed at significant frequency in large population cohorts (gnomAD); In silico analysis indicates that this missense variant does not alter protein structure/function; Has not been previously published as pathogenic or benign to our knowledge; Also known as p.(N543D)